The following is an entry in ClinVar:

ClinVar aggregate classification (germline): Benign/Likely benign. Review status: criteria provided, multiple submitters, no conflicts (2 of 4 stars). 17 submissions from 15 submitters: Benign (10); Likely benign (5). 2 of the submissions do not count toward it. Last evaluated 2026-01-20.

Conditions:
Cardiovascular phenotype. Identifiers: MedGen CN230736.
Ehlers-Danlos syndrome (EDS). Identifiers: Orphanet 98249, MedGen C0013720, MONDO:0020066.
Ehlers-Danlos syndrome, arthrochalasia type. Also called: Ehlers-Danlos syndrome, arthrochalasis type; ARTHROCHALASIS MULTIPLEX CONGENITA; EDS VII, MUTANT PROCOLLAGEN TYPE; EDS VIIA; Ehlers-Danlos syndrome, arthrochalasia type, 1. Identifiers: Orphanet 1899, Orphanet 99875, Orphanet 99876, MedGen C4551623, MONDO:0007525, OMIM 130060.
Osteogenesis imperfecta type I (OI1). Also called: Classic Non-deforming Osteogenesis Imperfecta with Blue Sclerae; OI, TYPE I; OSTEOGENESIS IMPERFECTA TARDA; OSTEOGENESIS IMPERFECTA WITH BLUE SCLERAE; Lobstein disease; Osteogenesis imperfecta type 1. Identifiers: Orphanet 216796, Orphanet 666, MedGen C0023931, MONDO:0008146, OMIM 166200. Disease mechanism: loss of function.
Osteogenesis imperfecta (OI). Identifiers: Orphanet 666, MedGen C0029434, MeSH D010013, MONDO:0019019.
Infantile cortical hyperostosis. Also called: P1PK BLOOD GROUP SYSTEM, P(2) PHENOTYPE; Hyperostosis, Cortical, Congenital; Caffey Disease. Identifiers: Orphanet 1310, MedGen C0020497, MONDO:0007244, OMIM 114000.

Allele frequency attached by ClinVar (database versions not stated): ExAC 0.00281; gnomAD 0.00846; 1000 Genomes Project 0.00978; TOPMed 0.01027; 1000 Genomes Project 30x 0.01031; ESP Exome Variant Server 0.01046.

Submissions (17):

Labcorp Genetics (formerly Invitae), Labcorp
Classification: Benign for Osteogenesis imperfecta type I. Last evaluated: 2026-01-20. Review status: criteria provided, single submitter. Criteria: Invitae Variant Classification Sherloc (09022015). Collection method: clinical testing. Allele origin: germline.

Molecular Diagnostic Laboratory for Inherited Cardiovascular Disease, Montreal Heart Institute
Classification: Benign. Last evaluated: 2025-04-09. Review status: criteria provided, single submitter. Criteria: ACMG Guidelines, 2015. Collection method: clinical testing. Allele origin: germline. Affected: no.
Comment: BS1;BP6

ARUP Laboratories, Molecular Genetics and Genomics, ARUP Laboratories
Classification: Benign. Last evaluated: 2025-01-24. Review status: criteria provided, single submitter. Criteria: ARUP Molecular Germline Variant Investigation Process 2024. Collection method: clinical testing. Allele origin: germline.

CeGaT Center for Human Genetics Tuebingen
Classification: Benign. Last evaluated: 2024-10-01. Review status: criteria provided, single submitter. Criteria: CeGaT Center For Human Genetics Tuebingen Variant Classification Criteria Version 2. Collection method: clinical testing. Allele origin: germline. Affected: yes. Observed: 2 variant alleles.
Comment: COL1A1: BP4, BS1, BS2

Mayo Clinic Laboratories, Mayo Clinic
Classification: Benign. Last evaluated: 2023-12-22. Review status: criteria provided, single submitter. Criteria: ACMG Guidelines, 2015. Collection method: clinical testing. Allele origin: germline. Observed: 16 variant alleles.
Comment: BA1, BS2

Genome Diagnostics Laboratory, The Hospital for Sick Children
Classification: Likely benign for Ehlers-Danlos syndrome. Last evaluated: 2019-12-01. Review status: criteria provided, single submitter. Criteria: ACMG Guidelines, 2015. Collection method: clinical testing. Allele origin: germline.

Ambry Genetics
Classification: Benign for Cardiovascular phenotype. Last evaluated: 2019-04-23. Review status: criteria provided, single submitter. Criteria: Ambry Variant Classification Scheme 2023. Collection method: clinical testing. Allele origin: germline.

Athena Diagnostics
Classification: Benign. Last evaluated: 2017-09-08. Review status: criteria provided, single submitter. Criteria: Athena Diagnostics Criteria. Collection method: clinical testing. Allele origin: germline.

Illumina Laboratory Services, Illumina
Classification: Likely benign for Infantile cortical hyperostosis. Last evaluated: 2017-04-27. Review status: criteria provided, single submitter. Criteria: ICSL Variant Classification Criteria 13 December 2019. Collection method: clinical testing. Allele origin: germline.
Comment: This variant was observed as part of a predisposition screen in an ostensibly healthy population. A literature search was performed for the gene, cDNA change, and amino acid change (where applicable). No publications were found based on this search. Allele frequency data from public databases allowed determination this variant is unlikely to cause disease. Therefore, this variant is classified as likely benign.

Illumina Laboratory Services, Illumina
Classification: Likely benign for Osteogenesis imperfecta. Last evaluated: 2017-04-27. Review status: criteria provided, single submitter. Criteria: ICSL Variant Classification Criteria 13 December 2019. Collection method: clinical testing. Allele origin: germline.
Comment: the same text as in the submission from Illumina Laboratory Services, Illumina above.

Illumina Laboratory Services, Illumina
Classification: Likely benign for Ehlers-Danlos syndrome, arthrochalasia type. Last evaluated: 2017-04-27. Review status: criteria provided, single submitter. Criteria: ICSL Variant Classification Criteria 13 December 2019. Collection method: clinical testing. Allele origin: germline.
Comment: the same text as in the submission from Illumina Laboratory Services, Illumina above.

GeneDx
Classification: Benign. Last evaluated: 2017-02-27. Review status: criteria provided, single submitter. Criteria: GeneDx Variant Classification (06012015). Collection method: clinical testing. Allele origin: germline. Affected: yes.
Comment: This variant is considered likely benign or benign based on one or more of the following criteria: it is a conservative change, it occurs at a poorly conserved position in the protein, it is predicted to be benign by multiple in silico algorithms, and/or has population frequency not consistent with disease.

Center for Pediatric Genomic Medicine, Children's Mercy Hospital and Clinics
Classification: Benign. Last evaluated: 2017-01-05. Review status: criteria provided, single submitter. Criteria: ACMG Guidelines, 2015. Collection method: clinical testing. Allele origin: germline.

Eurofins Ntd Llc (ga)
Classification: Benign. Last evaluated: 2015-10-08. Review status: criteria provided, single submitter. Criteria: EGL Classification Definitions 2015. Collection method: clinical testing. Allele origin: germline. Observed: 2 variant alleles, 2 heterozygotes.

Breakthrough Genomics
Classification: Likely benign. Review status: criteria provided, single submitter. Criteria: ACMG Guidelines, 2015. Collection method: not provided. Allele origin: germline. Inheritance: Autosomal dominant inheritance. Affected: yes.

Genome Diagnostics Laboratory, Amsterdam University Medical Center
Classification: Benign. Review status: no assertion criteria provided. Collection method: clinical testing. Allele origin: germline. Affected: yes. Study: VKGL Data-share Consensus. Not counted in ClinVar's aggregate classification.

Laboratory of Diagnostic Genome Analysis, Leiden University Medical Center (LUMC)
Classification: Likely benign. Review status: no assertion criteria provided. Collection method: clinical testing. Allele origin: germline. Affected: yes. Study: VKGL Data-share Consensus. Not counted in ClinVar's aggregate classification.

Literature cited by the submitters: PubMed 17078022 (cited by Athena Diagnostics).

NM_000088.4(COL1A1):c.1615-4C>A

Gene: COL1A1 (collagen type I alpha 1 chain; minus strand). Cytogenetic location: 17q21.33.
Variant type: single nucleotide variant.
Coding change: c.1615-4C>A on transcript NM_000088.4 (MANE Select); 4 bases into the intron before coding-DNA position 1615, C replaced by A.
Molecular consequence: intron variant.
Genome position (GRCh38, 1-based): chr17:50,194,187, G>T on the plus strand (C>A on the coding strand, the complement: COL1A1 is on the minus strand). VCF-style: chr17-50194187-G-T. GRCh37 (hg19) VCF-style: chr17-48271548-G-T.
Other names: p.?.
Identifiers: ClinVar variation 283606 (VCV000283606.94), dbSNP rs41316657, ClinGen allele CA8645172.